The following is an entry in ClinVar:

ClinVar aggregate classification (germline): Uncertain significance (1 of 4 stars; one submission).

Submission:

Labcorp Genetics (formerly Invitae), Labcorp
Classification: Uncertain significance. Last evaluated: 2022-04-06. Review status: criteria provided, single submitter. Criteria: Invitae Variant Classification Sherloc (09022015). Collection method: clinical testing. Allele origin: germline.
Comment: This sequence change replaces glutamic acid, which is acidic and polar, with glycine, which is neutral and non-polar, at codon 914 of the SALL2 protein (p.Glu914Gly). This variant has not been reported in the literature in individuals affected with SALL2-related conditions. In summary, the available evidence is currently insufficient to determine the role of this variant in disease. Therefore, it has been classified as a Variant of Uncertain Significance. Algorithms developed to predict the effect of missense changes on protein structure and function output the following: SIFT: "Tolerated"; PolyPhen-2: "Benign"; Align-GVGD: "Class C0". The glycine amino acid residue is found in multiple mammalian species, which suggests that this missense change does not adversely affect protein function. This variant is present in population databases (no rsID available, gnomAD 0.003%).

NM_001364564.1(SALL2):c.2735A>G (p.Glu912Gly)

Gene: SALL2 (spalt like transcription factor 2; minus strand). Cytogenetic location: 14q11.2.
Variant type: single nucleotide variant.
Coding change: c.2735A>G on transcript NM_001364564.1 (MANE Select); coding-DNA position 2735, A replaced by G.
Protein change: p.Glu912Gly; replaces glutamic acid 912 with glycine.
Molecular consequence: missense variant.
Genome position (GRCh38, 1-based): chr14:21,522,987, T>C on the plus strand (A>G on the coding strand, the complement: SALL2 is on the minus strand). VCF-style: chr14-21522987-T-C. GRCh37 (hg19) VCF-style: chr14-21991121-T-C.
Other names: c.2336A>G, p.Glu779Gly (NM_001291446.2); c.2330A>G, p.Glu777Gly (NM_001291447.2); c.2741A>G, p.Glu914Gly (NM_005407.3); short protein forms E779G, E914G, E777G, E912G.
Identifiers: ClinVar variation 2121915 (VCV002121915.4), dbSNP rs775030177, ClinGen allele CA388908765.